The following is an entry in ClinVar:

NM_003324.5(TULP3):c.704T>C (p.Leu235Pro)

Gene: TULP3 (TUB like protein 3; plus strand). Cytogenetic location: 12p13.33.
Variant type: single nucleotide variant.
Coding change: c.704T>C on transcript NM_003324.5 (MANE Select); coding-DNA position 704, T replaced by C.
Protein change: p.Leu235Pro; replaces leucine 235 with proline.
Molecular consequence: missense variant.
Genome position (GRCh38, 1-based): chr12:2,933,425, T>C. VCF-style: chr12-2933425-T-C. GRCh37 (hg19) VCF-style: chr12-3042591-T-C.
Other names: c.704T>C, p.Leu235Pro (NM_001160408.2); short protein forms L235P.
Identifiers: ClinVar variation 4293950 (VCV004293950.1).

ClinVar aggregate classification (germline): Uncertain significance (1 of 4 stars; one submission).

Conditions:
Hepatorenocardiac degenerative fibrosis. Identifiers: MedGen C5676996, MONDO:0859254, OMIM 619902.

Submission:

3billion
Classification: Uncertain significance for Hepatorenocardiac degenerative fibrosis. Last evaluated: 2024-11-25. Review status: criteria provided, single submitter. Criteria: ACMG Guidelines, 2015. Collection method: clinical testing. Allele origin: germline. Affected: yes.
Comment: The variant is not observed in the gnomAD v4.1.0 dataset. Predicted Consequence/Location: Missense variant In silico tool predictions suggest damaging effect of the variant on gene or gene product [REVEL: 0.99 (>=0.6, sensitivity 0.68 and specificity 0.92)]. A different missense change at the same codon (p.Leu235Phe) has been reported to be associated with TULP3 related disorder (PMID: 35040250). However the evidence of pathogenicity is insufficient at this time. Therefore, this variant is classified as VUS according to the recommendation of ACMG/AMP guideline.

Literature cited by the submitters: PubMed 35040250.